The following is an entry in ClinVar:

NM_014727.3(KMT2B):c.7050-17C>A

Gene: KMT2B (lysine methyltransferase 2B; plus strand). Cytogenetic location: 19q13.12.
Variant type: single nucleotide variant.
Coding change: c.7050-17C>A on transcript NM_014727.3 (MANE Select); 17 bases into the intron before coding-DNA position 7050, C replaced by A.
Molecular consequence: intron variant.
Genome position (GRCh38, 1-based): chr19:35,733,746, C>A. VCF-style: chr19-35733746-C-A. GRCh37 (hg19) VCF-style: chr19-36224647-C-A.
Identifiers: ClinVar variation 1898396 (VCV001898396.6), dbSNP rs200790417, ClinGen allele CA9385838.

ClinVar aggregate classification (germline): Likely benign. Review status: criteria provided, multiple submitters, no conflicts (2 of 4 stars). 2 submissions from 2 submitters: Likely benign (2). Last evaluated 2026-01-27.

Allele frequency attached by ClinVar (database versions not stated): gnomAD 0.00005; TOPMed 0.00005; ExAC 0.00007; 1000 Genomes Project 30x 0.00016; ESP Exome Variant Server 0.00017; 1000 Genomes Project 0.00020.
gnomAD v4.1: 109 of 1,611,116 alleles (0.0068%); highest among the groups gnomAD compares: Non-Finnish European, 0.0093%; no homozygotes.

Submissions (2):

Women's Health and Genetics/Laboratory Corporation of America, LabCorp
Classification: Likely benign. Last evaluated: 2026-01-27. Review status: criteria provided, single submitter. Criteria: LabCorp Variant Classification Summary - May 2015. Collection method: clinical testing. Allele origin: germline.
Comment: Variant summary: KMT2B c.7050-17C>A alters a nucleotide located at a position not widely known to affect splicing. Consensus agreement among computation tools predict no significant impact on normal splicing. However, these predictions have yet to be confirmed by functional studies. The variant allele was found at a frequency of 7.3e-05 in 246704 control chromosomes in the gnomAD database, including 1 homozygote. This frequency is not significantly higher than estimated for disease-causing variants in KMT2B, allowing no conclusion about variant significance. To our knowledge, no occurrence of c.7050-17C>A in individuals affected with KMT2B-related conditions and no experimental evidence demonstrating its impact on protein function have been reported. ClinVar contains an entry for this variant (Variation ID: 1898396). Based on the evidence outlined above, the variant was classified as likely benign.

Labcorp Genetics (formerly Invitae), Labcorp
Classification: Likely benign. Last evaluated: 2024-10-23. Review status: criteria provided, single submitter. Criteria: Invitae Variant Classification Sherloc (09022015). Collection method: clinical testing. Allele origin: germline.